The following is an entry in ClinVar:

NM_015158.5(KANK1):c.566G>A (p.Gly189Asp)

Gene: KANK1 (KN motif and ankyrin repeat domains 1; plus strand). Cytogenetic location: 9p24.3.
Variant type: single nucleotide variant.
Coding change: c.566G>A on transcript NM_015158.5 (MANE Select); coding-DNA position 566, G replaced by A.
Protein change: p.Gly189Asp; replaces glycine 189 with aspartic acid.
Molecular consequence: missense variant. On other transcripts: non-coding transcript variant (1).
Genome position (GRCh38, 1-based): chr9:711,332, G>A. VCF-style: chr9-711332-G-A. GRCh37 (hg19) VCF-style: chr9-711332-G-A.
Other names: c.566G>A, p.Gly189Asp (NM_001256876.3, NM_001256877.3, NM_001354331.2 and 2 more transcripts); c.92G>A, p.Gly31Asp (NM_001354333.2, NM_001354335.2, NM_001354336.2 and 9 more transcripts); short protein forms G189D, G31D.
Identifiers: ClinVar variation 2917706 (VCV002917706.3), dbSNP rs376441776, ClinGen allele CA4959975.
Genomic context (GRCh38, chr9:711,332, plus strand): 5'-GAGCCACCATGCAGATGACACCGGGTGAGTTCAGAAGGCCCAGGCTGGCCAGTTTTGGAG[G>A]CATGGGCACCACAAGCTCCCTCCCTTCTTTTGTGGGTTCTGGAAACCACAATCCTGCCAA-3'
Protein context (NP_055973.2, residues 179-199): FRRPRLASFG[Gly189Asp]MGTTSSLPSF

ClinVar aggregate classification (germline): Uncertain significance (1 of 4 stars; one submission).

Allele frequency attached by ClinVar (database versions not stated): gnomAD 0.00007; ESP Exome Variant Server 0.00008; TOPMed 0.00008.
gnomAD v4.1: 21 of 1,614,020 alleles (0.0013%); highest among the groups gnomAD compares: African/African-American, 0.025%; no homozygotes.

Submission:

Labcorp Genetics (formerly Invitae), Labcorp
Classification: Uncertain significance. Last evaluated: 2023-05-14. Review status: criteria provided, single submitter. Criteria: Invitae Variant Classification Sherloc (09022015). Collection method: clinical testing. Allele origin: germline.
Comment: Advanced modeling of protein sequence and biophysical properties (such as structural, functional, and spatial information, amino acid conservation, physicochemical variation, residue mobility, and thermodynamic stability) performed at Invitae indicates that this missense variant is expected to disrupt KANK1 protein function. In summary, the available evidence is currently insufficient to determine the role of this variant in disease. Therefore, it has been classified as a Variant of Uncertain Significance. This variant has not been reported in the literature in individuals affected with KANK1-related conditions. This variant is present in population databases (rs376441776, gnomAD 0.04%). This sequence change replaces glycine, which is neutral and non-polar, with aspartic acid, which is acidic and polar, at codon 189 of the KANK1 protein (p.Gly189Asp).